The following is an entry in ClinVar:

ClinVar aggregate classification (germline): Benign/Likely benign. Review status: criteria provided, multiple submitters, no conflicts (2 of 4 stars). 4 submissions from 4 submitters: Benign (1); Likely benign (3). Last evaluated 2025-05-08.

Conditions:
Hereditary cancer-predisposing syndrome. Also called: Tumor predisposition; Hereditary Cancer Syndrome; Neoplastic Syndromes, Hereditary; Hereditary neoplastic syndrome. Identifiers: Orphanet 140162, MedGen C0027672, MeSH D009386, MONDO:0015356.
BAP1-related tumor predisposition syndrome (TPDS1). Also called: Tumor susceptibility linked to germline BAP1 mutations; BAP1 tumor predisposition syndrome; COMMON Syndrome; TUMOR PREDISPOSITION SYNDROME 1. Identifiers: Orphanet 289539, MedGen C3280492, MONDO:0013692, OMIM 614327.

Allele frequency attached by ClinVar (database versions not stated): gnomAD exomes below 0.00001.

Submissions (4):

Labcorp Genetics (formerly Invitae), Labcorp
Classification: Likely benign for BAP1-related tumor predisposition syndrome. Last evaluated: 2025-05-08. Review status: criteria provided, single submitter. Criteria: Invitae Variant Classification Sherloc (09022015). Collection method: clinical testing. Allele origin: germline.

Myriad Genetics, Inc.
Classification: Benign for BAP1-related tumor predisposition syndrome. Last evaluated: 2024-07-15. Review status: criteria provided, single submitter. Criteria: Myriad Autosomal Dominant, Autosomal Recessive and X-Linked Classification Criteria (2023). Collection method: clinical testing. Allele origin: unknown.
Comment: This variant is considered benign. This variant is a silent/synonymous amino acid change and it is not expected to impact splicing.

Color Diagnostics, LLC DBA Color Health
Classification: Likely benign for Hereditary cancer-predisposing syndrome. Last evaluated: 2019-06-14. Review status: criteria provided, single submitter. Criteria: ACMG Guidelines, 2015. Collection method: clinical testing. Allele origin: germline.

Ambry Genetics
Classification: Likely benign for Hereditary cancer-predisposing syndrome. Last evaluated: 2017-09-27. Review status: criteria provided, single submitter. Criteria: Ambry Variant Classification Scheme 2023. Collection method: clinical testing. Allele origin: germline.

NM_004656.4(BAP1):c.978C>T (p.His326=)

Gene: BAP1 (BRCA1 associated deubiquitinase 1; minus strand). Cytogenetic location: 3p21.1.
Variant type: single nucleotide variant.
Coding change: c.978C>T on transcript NM_004656.4 (MANE Select); coding-DNA position 978, C replaced by T.
Protein change: p.His326=; no amino-acid change (histidine 326 retained).
Molecular consequence: synonymous variant.
Genome position (GRCh38, 1-based): chr3:52,405,248, G>A on the plus strand (C>T on the coding strand, the complement: BAP1 is on the minus strand). VCF-style: chr3-52405248-G-A. GRCh37 (hg19) VCF-style: chr3-52439264-G-A.
Identifiers: ClinVar variation 823476 (VCV000823476.14), dbSNP rs1043016308, ClinGen allele CA74742666.